The following is an entry in ClinVar:

ClinVar aggregate classification (germline): Likely benign (1 of 4 stars; one submission).

gnomAD v4.1: 173 of 398,220 alleles (0.043%); highest among the groups gnomAD compares: Admixed American, 0.066%; no homozygotes.

Submission:

CeGaT Center for Human Genetics Tuebingen
Classification: Likely benign. Last evaluated: 2026-07-01. Review status: criteria provided, single submitter. Criteria: CeGaT Center For Human Genetics Tuebingen Variant Classification Criteria Version 2. Collection method: clinical testing. Allele origin: germline. Affected: yes. Observed: 4 variant alleles.
Comment: KCNQ1OT1: BS1

NM_000218.3(KCNQ1):c.1393+20640A>G

Genes: KCNQ1 (potassium voltage-gated channel subfamily Q member 1; plus strand), KCNQ1OT1 (KCNQ1 opposite strand/antisense transcript 1; minus strand). Cytogenetic location: 11p15.5.
Variant type: single nucleotide variant.
Coding change: c.1393+20640A>G on transcript NM_000218.3 (MANE Select); 20640 bases into the intron after coding-DNA position 1393, A replaced by G.
Molecular consequence: intron variant. On other transcripts: non-coding transcript variant (1).
Genome position (GRCh38, 1-based): chr11:2,609,494, A>G. VCF-style: chr11-2609494-A-G. GRCh37 (hg19) VCF-style: chr11-2630724-A-G.
Other names: c.1123+20640A>G (NM_001406837.1); c.1297+20640A>G (NM_001406836.1); c.853+20640A>G (NM_001406838.1); c.1012+20640A>G (NM_181798.2).
Identifiers: ClinVar variation 3771728 (VCV003771728.13).